The following is an entry in ClinVar:

ClinVar aggregate classification (germline): Pathogenic (1 of 4 stars; one submission).

Conditions:
Meier-Gorlin syndrome 4 (MGORS4). Identifiers: Orphanet 2554, MedGen C3151120, MONDO:0013431, OMIM 613804.

Allele frequency attached by ClinVar (database versions not stated): gnomAD exomes below 0.00001.
gnomAD v4.1: 1 of 1,611,566 alleles (0.000062%); highest among the groups gnomAD compares: Non-Finnish European, 0.000085%; no homozygotes.

Submission:

Bicknell laboratory, University of Otago
Classification: Pathogenic for Meier-Gorlin syndrome 4. Review status: criteria provided, single submitter. Criteria: ACMG Guidelines, 2015. Collection method: research. Allele origin: inherited. Affected: yes.
Comment: Occurred as compound het with c.1078_1080del

Literature cited by the submitters: PubMed 33338304.

NM_030928.4(CDT1):c.1276-24A>G

Gene: CDT1 (chromatin licensing and DNA replication factor 1; plus strand). Cytogenetic location: 16q24.3.
Variant type: single nucleotide variant.
Coding change: c.1276-24A>G on transcript NM_030928.4 (MANE Select); 24 bases into the intron before coding-DNA position 1276, A replaced by G.
Molecular consequence: intron variant.
Genome position (GRCh38, 1-based): chr16:88,807,257, A>G. VCF-style: chr16-88807257-A-G. GRCh37 (hg19) VCF-style: chr16-88873665-A-G.
Identifiers: ClinVar variation 1173056 (VCV001173056.2), dbSNP rs2142945856, ClinGen allele CA2499223749.